The following is an entry in ClinVar:

NM_024301.5(FKRP):c.364G>A (p.Ala122Thr)

Gene: FKRP (fukutin related protein; plus strand). Cytogenetic location: 19q13.32.
Variant type: single nucleotide variant.
Coding change: c.364G>A on transcript NM_024301.5 (MANE Select); coding-DNA position 364, G replaced by A.
Protein change: p.Ala122Thr; replaces alanine 122 with threonine.
Molecular consequence: missense variant.
Genome position (GRCh38, 1-based): chr19:46,755,814, G>A. VCF-style: chr19-46755814-G-A. GRCh37 (hg19) VCF-style: chr19-47259071-G-A.
Other names: c.364G>A, p.Ala122Thr (NM_001039885.3); short protein forms A122T.
Identifiers: ClinVar variation 408724 (VCV000408724.10), dbSNP rs1060502111, ClinGen allele CA16616057.

ClinVar aggregate classification (germline): Conflicting classifications of pathogenicity. Review status: criteria provided, conflicting classifications (1 of 4 stars). 2 submissions from 2 submitters: Uncertain significance (1); Likely benign (1). Last evaluated 2023-10-21.

Conditions:
Cardiovascular phenotype. Identifiers: MedGen CN230736.
Walker-Warburg congenital muscular dystrophy. Also called: Muscular dystrophy-dystroglycanopathy, type A; Walker-Warburg syndrome. Identifiers: Orphanet 899, MedGen C0265221, MONDO:0000171.

Submissions (2):

Ambry Genetics
Classification: Likely benign for Cardiovascular phenotype. Last evaluated: 2023-10-21. Review status: criteria provided, single submitter. Criteria: Ambry Variant Classification Scheme 2023. Collection method: clinical testing. Allele origin: germline.

Labcorp Genetics (formerly Invitae), Labcorp
Classification: Uncertain significance for Walker-Warburg congenital muscular dystrophy. Last evaluated: 2022-07-06. Review status: criteria provided, single submitter. Criteria: Invitae Variant Classification Sherloc (09022015). Collection method: clinical testing. Allele origin: germline.
Comment: In summary, the available evidence is currently insufficient to determine the role of this variant in disease. Therefore, it has been classified as a Variant of Uncertain Significance. Algorithms developed to predict the effect of missense changes on protein structure and function (SIFT, PolyPhen-2, Align-GVGD) all suggest that this variant is likely to be tolerated. ClinVar contains an entry for this variant (Variation ID: 408724). This variant has not been reported in the literature in individuals affected with FKRP-related conditions. This variant is not present in population databases (gnomAD no frequency). This sequence change replaces alanine, which is neutral and non-polar, with threonine, which is neutral and polar, at codon 122 of the FKRP protein (p.Ala122Thr).